The following is an entry in ClinVar:

NM_145064.3(STAC3):c.432+143G>A

Gene: STAC3 (SH3 and cysteine rich domain 3; minus strand). Cytogenetic location: 12q13.3.
Variant type: single nucleotide variant.
Coding change: c.432+143G>A on transcript NM_145064.3 (MANE Select); 143 bases into the intron after coding-DNA position 432, G replaced by A.
Molecular consequence: intron variant.
Genome position (GRCh38, 1-based): chr12:57,248,563, C>T on the plus strand (G>A on the coding strand, the complement: STAC3 is on the minus strand). VCF-style: chr12-57248563-C-T. GRCh37 (hg19) VCF-style: chr12-57642346-C-T.
Other names: c.-126-365G>A (NM_001286257.2); c.315+143G>A (NM_001286256.2).
Identifiers: ClinVar variation 1683828 (VCV001683828.2), dbSNP rs184042741, ClinGen allele CA237759673.
Genomic context (GRCh38, chr12:57,248,563, plus strand): 5'-TGAGTAGCTGGGACTACAGGCACCTGTCACCACGCCCGGCTAATTTTTTGTATTTAGAGA[C>T]GGGGTTTCACTGTGTTAGCCAGGATGGTCTCGATCTCCTGACCTCGTGATCCGCCCACCT-3'

ClinVar aggregate classification (germline): Likely benign (1 of 4 stars; one submission).

Allele frequency attached by ClinVar (database versions not stated): 1000 Genomes Project 30x 0.00297; 1000 Genomes Project 0.00300; TOPMed 0.00496; gnomAD 0.00840 and 0.00883.
gnomAD v4.1: 5,463 of 650,044 alleles (0.84%); highest among the groups gnomAD compares: Non-Finnish European, 0.88%; 52 homozygotes.

Submission:

GeneDx
Classification: Likely benign. Last evaluated: 2021-06-22. Review status: criteria provided, single submitter. Criteria: GeneDx Variant Classification Process June 2021. Collection method: clinical testing. Allele origin: germline. Affected: yes.
Comment: See Variant Classification Assertion Criteria.